The following is an entry in ClinVar:

NM_000051.4(ATM):c.3007C>G (p.Gln1003Glu)

Gene: ATM (ATM serine/threonine kinase; plus strand). Cytogenetic location: 11q22.3.
Variant type: single nucleotide variant.
Coding change: c.3007C>G on transcript NM_000051.4 (MANE Select); coding-DNA position 3007, C replaced by G.
Protein change: p.Gln1003Glu; replaces glutamine 1003 with glutamic acid.
Molecular consequence: missense variant.
Genome position (GRCh38, 1-based): chr11:108,271,336, C>G. VCF-style: chr11-108271336-C-G. GRCh37 (hg19) VCF-style: chr11-108142063-C-G.
Other names: c.3007C>G, p.Gln1003Glu (NM_001351834.2); short protein forms Q1003E.
Identifiers: ClinVar variation 490506 (VCV000490506.14), dbSNP rs1555085143, ClinGen allele CA382547421.
Genomic context (GRCh38, chr11:108,271,336, plus strand): 5'-GACCAAGATGTTTGTAAAACTATTTTAAACCATGTCCTTCATGTAGTGAAAAACCTAGGT[C>G]AAAGCAATATGGACTCTGAGAACACAAGGGATGCTCAAGGACAGTTTCTTACAGTAATTG-3'
Protein context (NP_000042.3, residues 993-1013): HVLHVVKNLG[Gln1003Glu]SNMDSENTRD

ClinVar aggregate classification (germline): Uncertain significance. Review status: criteria provided, multiple submitters, no conflicts (2 of 4 stars). 2 submissions from 2 submitters: Uncertain significance (2). Last evaluated 2022-02-24.

Conditions:
Hereditary cancer-predisposing syndrome. Also called: Tumor predisposition; Neoplastic Syndromes, Hereditary; Hereditary Cancer Syndrome; Hereditary neoplastic syndrome. Identifiers: Orphanet 140162, MedGen C0027672, MeSH D009386, MONDO:0015356.
Ataxia-telangiectasia syndrome (AT). Also called: Ataxia-telangiectasia; Ataxia-telangiectasia, complementation group D; AT, COMPLEMENTATION GROUP C; LOUIS-BAR SYNDROME; Cerebello-oculocutaneous telangiectasia; Immunodeficiency with ataxia telangiectasia. Identifiers: Orphanet 100, MedGen C0004135, MONDO:0008840, OMIM 208900.

Submissions (2):

Labcorp Genetics (formerly Invitae), Labcorp
Classification: Uncertain significance for Ataxia-telangiectasia syndrome. Last evaluated: 2022-02-24. Review status: criteria provided, single submitter. Criteria: Invitae Variant Classification Sherloc (09022015). Collection method: clinical testing. Allele origin: germline.
Comment: In summary, the available evidence is currently insufficient to determine the role of this variant in disease. Therefore, it has been classified as a Variant of Uncertain Significance. Advanced modeling of protein sequence and biophysical properties (such as structural, functional, and spatial information, amino acid conservation, physicochemical variation, residue mobility, and thermodynamic stability) performed at Invitae indicates that this missense variant is not expected to disrupt ATM protein function. ClinVar contains an entry for this variant (Variation ID: 490506). This variant has not been reported in the literature in individuals affected with ATM-related conditions. This variant is not present in population databases (gnomAD no frequency). This sequence change replaces glutamine, which is neutral and polar, with glutamic acid, which is acidic and polar, at codon 1003 of the ATM protein (p.Gln1003Glu).

Color Diagnostics, LLC DBA Color Health
Classification: Uncertain significance for Hereditary cancer-predisposing syndrome. Last evaluated: 2019-04-09. Review status: criteria provided, single submitter. Criteria: ACMG Guidelines, 2015. Collection method: clinical testing. Allele origin: germline.